The following is an entry in ClinVar:

NM_001077706.3(ECT2L):c.958_959inv (p.Val320Thr)

Gene: ECT2L (epithelial cell transforming 2 like; plus strand). Cytogenetic location: 6q24.1.
Variant type: Inversion.
Coding change: c.958_959inv on transcript NM_001077706.3 (MANE Select).
Protein change: p.Val320Thr; replaces valine 320 with threonine.
Molecular consequence: missense variant.
Genome position: GRCh38 VCF-style: chr6-138849323-GT-AC. GRCh37 (hg19) VCF-style: chr6-139170460-GT-AC.
Other names: c.958_959inv, p.Val320Thr (NM_001195037.2); short protein forms V320T.
Identifiers: ClinVar variation 134013 (VCV000134013.1), ClinGen allele CA158417.

ClinVar aggregate classification (germline): not provided (0 of 4 stars; one submission).

Submission:

ITMI
No classification provided. Condition: AllHighlyPenetrant. Last evaluated: 2013-09-19. Review status: no classification provided. Collection method: reference population. Allele origin: germline.
Comment: Please see associated publication for description of ethnicities

Literature cited by the submitters: PubMed 24728327.